The following is an entry in ClinVar:

NM_181783.4(TMTC3):c.510A>G (p.Ile170Met)

Gene: TMTC3 (transmembrane O-mannosyltransferase targeting cadherins 3; plus strand). Cytogenetic location: 12q21.32.
Variant type: single nucleotide variant.
Coding change: c.510A>G on transcript NM_181783.4 (MANE Select); coding-DNA position 510, A replaced by G.
Protein change: p.Ile170Met; replaces isoleucine 170 with methionine.
Molecular consequence: missense variant. On other transcripts: 5 prime UTR variant (1), non-coding transcript variant (1).
Genome position (GRCh38, 1-based): chr12:88,160,115, A>G. VCF-style: chr12-88160115-A-G. GRCh37 (hg19) VCF-style: chr12-88553892-A-G.
Other names: c.330A>G, p.Ile110Met (NM_001366574.1); c.291A>G, p.Ile97Met (NM_001366579.1); c.243A>G, p.Ile81Met (NM_001366580.1); c.-184A>G (NM_001366583.1); short protein forms I170M, I110M, I81M, I97M.
Identifiers: ClinVar variation 1979492 (VCV001979492.4), dbSNP rs772768755, ClinGen allele CA6713075.
Genomic context (GRCh38, chr12:88,160,115, plus strand): 5'-TTTTTTGATATTATAAAATTGTTTTCTGAATTTTTATATTTTCTGTTCTCAAATTGCAGT[A>G]TGGACTCCAATTGCCTTGACAGTGTTTTTAGTGGCTGTTGCAACATTATGTAAAGAACAA-3'
Protein context (NP_861448.2, residues 160-180): TRSKGPDNSI[Ile170Met]WTPIALTVFL

ClinVar aggregate classification (germline): Uncertain significance (1 of 4 stars; one submission).

Allele frequency attached by ClinVar (database versions not stated): TOPMed below 0.00001; ExAC 0.00001; gnomAD 0.00001; gnomAD exomes 0.00001.
gnomAD v4.1: 16 of 1,554,472 alleles (0.001%); highest among the groups gnomAD compares: South Asian, 0.0098%; no homozygotes.

Submission:

Labcorp Genetics (formerly Invitae), Labcorp
Classification: Uncertain significance. Last evaluated: 2025-07-28. Review status: criteria provided, single submitter. Criteria: Invitae Variant Classification Sherloc (09022015). Collection method: clinical testing. Allele origin: germline.
Comment: This sequence change replaces isoleucine, which is neutral and non-polar, with methionine, which is neutral and non-polar, at codon 170 of the TMTC3 protein (p.Ile170Met). This variant is present in population databases (rs772768755, gnomAD 0.004%). This variant has not been reported in the literature in individuals affected with TMTC3-related conditions. ClinVar contains an entry for this variant (Variation ID: 1979492). An algorithm developed to predict the effect of missense changes on protein structure and function (PolyPhen-2) suggests that this variant is likely to be tolerated. In summary, the available evidence is currently insufficient to determine the role of this variant in disease. Therefore, it has been classified as a Variant of Uncertain Significance.